The following is an entry in ClinVar:

ClinVar aggregate classification (germline): Conflicting classifications of pathogenicity. Review status: criteria provided, conflicting classifications (1 of 4 stars). 7 submissions from 7 submitters: Uncertain significance (1); Likely benign (4). 2 of the submissions do not count toward it. Last evaluated 2026-01-20.

Conditions:
IDUA-related disorder. Also called: IDUA-related condition.
Mucopolysaccharidosis type 1. Also called: Mucopolysaccharidosis Type I; IDUA deficiency; MPS I. Identifiers: Orphanet 579, MedGen C0023786, MONDO:0001586.
Inborn genetic diseases. Identifiers: MedGen C0950123, MeSH D030342.

Allele frequency attached by ClinVar (database versions not stated): ExAC 0.00015; gnomAD 0.00019 and 0.00020; gnomAD exomes 0.00019 and 0.00023; TOPMed 0.00021; ESP Exome Variant Server 0.00023.
gnomAD v4.1: 356 of 1,612,656 alleles (0.022%); highest among the groups gnomAD compares: Non-Finnish European, 0.029%; no homozygotes.

Submissions (7):

Labcorp Genetics (formerly Invitae), Labcorp
Classification: Likely benign for Mucopolysaccharidosis type 1. Last evaluated: 2026-01-20. Review status: criteria provided, single submitter. Criteria: Invitae Variant Classification Sherloc (09022015). Collection method: clinical testing. Allele origin: germline.

Mayo Clinic Laboratories, Mayo Clinic
Classification: Likely benign. Last evaluated: 2024-12-19. Review status: criteria provided, single submitter. Criteria: ACMG Guidelines, 2015. Collection method: clinical testing. Allele origin: germline. Observed: 2 variant alleles.
Comment: BP4, BP7

Blueprint Genetics
Classification: Likely benign. Last evaluated: 2024-10-02. Review status: criteria provided, single submitter. Criteria: ACMG Guidelines, 2015. Collection method: clinical testing. Allele origin: germline.

Ambry Genetics
Classification: Likely benign for Inborn genetic diseases. Last evaluated: 2022-08-14. Review status: criteria provided, single submitter. Criteria: Ambry Variant Classification Scheme 2023. Collection method: clinical testing. Allele origin: germline.

Illumina Laboratory Services, Illumina
Classification: Uncertain significance for Mucopolysaccharidosis type 1. Last evaluated: 2018-01-13. Review status: criteria provided, single submitter. Criteria: ICSL Variant Classification Criteria 13 December 2019. Collection method: clinical testing. Allele origin: germline.

Natera, Inc.
Classification: Uncertain significance for Mucopolysaccharidosis type I. Last evaluated: 2020-01-17. Review status: no assertion criteria provided. Collection method: clinical testing. Allele origin: germline. Not counted in ClinVar's aggregate classification.

PreventionGenetics, part of Exact Sciences
Classification: Likely benign for IDUA-related condition. Last evaluated: 2019-05-07. Review status: no assertion criteria provided. Collection method: clinical testing. Allele origin: germline. Not counted in ClinVar's aggregate classification.
Comment: This variant is classified as likely benign based on ACMG/AMP sequence variant interpretation guidelines (Richards et al. 2015 PMID: 25741868, with internal and published modifications).

NM_000203.5(IDUA):c.1002G>A (p.Leu334=)

Gene: IDUA (alpha-L-iduronidase; plus strand). Cytogenetic location: 4p16.3.
Variant type: single nucleotide variant.
Coding change: c.1002G>A on transcript NM_000203.5 (MANE Select); coding-DNA position 1002, G replaced by A.
Protein change: p.Leu334=; no amino-acid change (leucine 334 retained).
Molecular consequence: synonymous variant. On other transcripts: non-coding transcript variant (1).
Genome position (GRCh38, 1-based): chr4:1,002,298, G>A. VCF-style: chr4-1002298-G-A. GRCh37 (hg19) VCF-style: chr4-996086-G-A.
Other names: p.Leu334=; c.606G>A, p.Leu202= (NM_001363576.1).
Identifiers: ClinVar variation 350227 (VCV000350227.22), dbSNP rs370582480, ClinGen allele CA2802160.
Genomic context (GRCh38, chr4:1,002,298, plus strand): 5'-ACCCGGTCCCAGCTGCCCTGGACACCCGCAGGTCATCGCGCAGCATCAGAACCTGCTACT[G>A]GCCAACACCACCTCCGCCTTCCCCTACGCGCTCCTGAGCAACGACAATGCCTTCCTGAGC-3'
Protein context (NP_000194.2, residues 324-344): KVIAQHQNLL[Leu334=]ANTTSAFPYA